The following is an entry in ClinVar:

ClinVar aggregate classification (germline): Conflicting classifications of pathogenicity. Review status: criteria provided, conflicting classifications (1 of 4 stars). 5 submissions from 5 submitters: Uncertain significance (1); Benign (1); Likely benign (3). Last evaluated 2025-03-31.

Conditions:
Hereditary cancer-predisposing syndrome. Also called: Neoplastic Syndromes, Hereditary; Hereditary neoplastic syndrome; Tumor predisposition; Hereditary Cancer Syndrome. Identifiers: Orphanet 140162, MedGen C0027672, MeSH D009386, MONDO:0015356.
Familial adenomatous polyposis 1 (FAP1). Also called: FAMILIAL ADENOMATOUS POLYPOSIS 1, ATTENUATED; POLYPOSIS, ADENOMATOUS INTESTINAL. Identifiers: MedGen C2713442, MONDO:0021056, OMIM 175100. Disease mechanism: loss of function.

Allele frequency attached by ClinVar (database versions not stated): gnomAD exomes below 0.00001.
gnomAD v4.1: 3 of 1,613,772 alleles (0.00019%); highest among the groups gnomAD compares: Non-Finnish European, 0.00017%; no homozygotes.

Submissions (5):

Color Diagnostics, LLC DBA Color Health
Classification: Likely benign for Hereditary cancer-predisposing syndrome. Last evaluated: 2025-03-31. Review status: criteria provided, single submitter. Criteria: ACMG Guidelines, 2015. Collection method: clinical testing. Allele origin: germline.

Myriad Genetics, Inc.
Classification: Benign for Familial adenomatous polyposis 1. Last evaluated: 2024-03-01. Review status: criteria provided, single submitter. Criteria: Myriad Autosomal Dominant, Autosomal Recessive and X-Linked Classification Criteria (2023). Collection method: clinical testing. Allele origin: unknown.
Comment: This variant is considered benign. This variant is a silent/synonymous amino acid change and it is not expected to impact splicing.

Labcorp Genetics (formerly Invitae), Labcorp
Classification: Likely benign for Familial adenomatous polyposis 1. Last evaluated: 2023-08-02. Review status: criteria provided, single submitter. Criteria: Invitae Variant Classification Sherloc (09022015). Collection method: clinical testing. Allele origin: germline.

Ambry Genetics
Classification: Likely benign for Hereditary cancer-predisposing syndrome. Last evaluated: 2020-02-06. Review status: criteria provided, single submitter. Criteria: Ambry Variant Classification Scheme 2023. Collection method: clinical testing. Allele origin: germline.

Quest Diagnostics Nichols Institute San Juan Capistrano
Classification: Uncertain significance. Last evaluated: 2018-08-15. Review status: criteria provided, single submitter. Criteria: Quest Diagnostics criteria. Collection method: clinical testing. Allele origin: germline.

NM_000038.6(APC):c.1479C>T (p.Tyr493=)

Gene: APC (APC regulator of Wnt signaling pathway; plus strand). Cytogenetic location: 5q22.2.
Variant type: single nucleotide variant.
Coding change: c.1479C>T on transcript NM_000038.6 (MANE Select); coding-DNA position 1479, C replaced by T.
Protein change: p.Tyr493=; no amino-acid change (tyrosine 493 retained).
Molecular consequence: synonymous variant.
Genome position (GRCh38, 1-based): chr5:112,827,178, C>T. VCF-style: chr5-112827178-C-T. GRCh37 (hg19) VCF-style: chr5-112162875-C-T.
Other names: c.1479C>T, p.Tyr493= (NM_001127510.3, NM_001354895.2); c.1425C>T, p.Tyr475= (NM_001127511.3); c.1533C>T, p.Tyr511= (NM_001354896.2); c.1509C>T, p.Tyr503= (NM_001354897.2); c.1404C>T, p.Tyr468= (NM_001354898.2); c.1395C>T, p.Tyr465= (NM_001354899.2); c.1356C>T, p.Tyr452= (NM_001354900.2); c.1302C>T, p.Tyr434= (NM_001354901.2); and 5 more.
Identifiers: ClinVar variation 619608 (VCV000619608.13), dbSNP rs1561553939, ClinGen allele CA445755969.